The following is an entry in ClinVar:

ClinVar aggregate classification (germline): Uncertain significance (1 of 4 stars; one submission).

Conditions:
Early-infantile DEE. Also called: Early infantile epileptic encephalopathy; Early infantile epileptic encephalopathy with suppression bursts; Ohtahara syndrome. Identifiers: Orphanet 1934, MedGen C0393706, MONDO:0800491.

Submission:

Labcorp Genetics (formerly Invitae), Labcorp
Classification: Uncertain significance for Early-infantile DEE. Last evaluated: 2023-07-19. Review status: criteria provided, single submitter. Criteria: Invitae Variant Classification Sherloc (09022015). Collection method: clinical testing. Allele origin: germline.
Comment: This sequence change replaces arginine, which is basic and polar, with histidine, which is basic and polar, at codon 38 of the HCN1 protein (p.Arg38His). This variant is not present in population databases (gnomAD no frequency). This variant has not been reported in the literature in individuals affected with HCN1-related conditions. Advanced modeling of protein sequence and biophysical properties (such as structural, functional, and spatial information, amino acid conservation, physicochemical variation, residue mobility, and thermodynamic stability) performed at Invitae indicates that this missense variant is not expected to disrupt HCN1 protein function. In summary, the available evidence is currently insufficient to determine the role of this variant in disease. Therefore, it has been classified as a Variant of Uncertain Significance.

NM_021072.4(HCN1):c.113G>A (p.Arg38His)

Gene: HCN1 (hyperpolarization activated cyclic nucleotide gated potassium channel 1; minus strand). Cytogenetic location: 5p12.
Variant type: single nucleotide variant.
Coding change: c.113G>A on transcript NM_021072.4 (MANE Select); coding-DNA position 113, G replaced by A.
Protein change: p.Arg38His; replaces arginine 38 with histidine.
Molecular consequence: missense variant.
Genome position (GRCh38, 1-based): chr5:45,695,981, C>T on the plus strand (G>A on the coding strand, the complement: HCN1 is on the minus strand). VCF-style: chr5-45695981-C-T. GRCh37 (hg19) VCF-style: chr5-45696083-C-T.
Other names: short protein forms R38H.
Identifiers: ClinVar variation 2722531 (VCV002722531.3), dbSNP rs761449013, ClinGen allele CA359706716.